The following is an entry in ClinVar:

ClinVar aggregate classification (germline): Uncertain significance (1 of 4 stars; one submission).

Allele frequency attached by ClinVar (database versions not stated): gnomAD 0.00001.

Submission:

Labcorp Genetics (formerly Invitae), Labcorp
Classification: Uncertain significance. Last evaluated: 2025-08-03. Review status: criteria provided, single submitter. Criteria: Invitae Variant Classification Sherloc (09022015). Collection method: clinical testing. Allele origin: germline.
Comment: This sequence change replaces phenylalanine, which is neutral and non-polar, with leucine, which is neutral and non-polar, at codon 2636 of the VCAN protein (p.Phe2636Leu). This variant is not present in population databases (gnomAD no frequency). This variant has not been reported in the literature in individuals affected with VCAN-related conditions. ClinVar contains an entry for this variant (Variation ID: 1406652). An algorithm developed to predict the effect of missense changes on protein structure and function outputs the following: PolyPhen-2: "Benign". The leucine amino acid residue is found in multiple mammalian species, which suggests that this missense change does not adversely affect protein function. In summary, the available evidence is currently insufficient to determine the role of this variant in disease. Therefore, it has been classified as a Variant of Uncertain Significance.

NM_004385.5(VCAN):c.7906T>C (p.Phe2636Leu)

Genes: VCAN (versican; plus strand), VCAN-AS1 (VCAN antisense RNA 1; minus strand). Cytogenetic location: 5q14.3.
Variant type: single nucleotide variant.
Coding change: c.7906T>C on transcript NM_004385.5 (MANE Select); coding-DNA position 7906, T replaced by C.
Protein change: p.Phe2636Leu; replaces phenylalanine 2636 with leucine.
Molecular consequence: missense variant. On other transcripts: intron variant (2).
Genome position (GRCh38, 1-based): chr5:83,540,909, T>C. VCF-style: chr5-83540909-T-C. GRCh37 (hg19) VCF-style: chr5-82836728-T-C.
Other names: c.4945T>C, p.Phe1649Leu (NM_001164097.2); c.4004-4628T>C (NM_001164098.2); c.1043-4628T>C (NM_001126336.3); short protein forms F1649L, F2636L.
Identifiers: ClinVar variation 1406652 (VCV001406652.8), dbSNP rs1746951065, ClinGen allele CA360315774.